The following is an entry in ClinVar:

NM_001369268.1(ACAN):c.7382A>G (p.Glu2461Gly)

Gene: ACAN (aggrecan; plus strand). Cytogenetic location: 15q26.1.
Variant type: single nucleotide variant.
Coding change: c.7382A>G on transcript NM_001369268.1 (MANE Select); coding-DNA position 7382, A replaced by G.
Protein change: p.Glu2461Gly; replaces glutamic acid 2461 with glycine.
Molecular consequence: missense variant.
Genome position (GRCh38, 1-based): chr15:88,872,960, A>G. VCF-style: chr15-88872960-A-G. GRCh37 (hg19) VCF-style: chr15-89416191-A-G.
Other names: c.7268A>G (NM_013227.3); c.7154A>G, p.Glu2385Gly (NM_001135.4, NM_001411096.1); c.7268A>G, p.Glu2423Gly (NM_001411097.1, NM_013227.4); short protein forms E2385G, E2423G, E2461G.
Identifiers: ClinVar variation 3662429 (VCV003662429.3).

ClinVar aggregate classification (germline): Uncertain significance. Review status: criteria provided, multiple submitters, no conflicts (2 of 4 stars). 2 submissions from 2 submitters: Uncertain significance (2). Last evaluated 2025-06-05.

Conditions:
Inborn genetic diseases. Identifiers: MedGen C0950123, MeSH D030342.

Submissions (2):

Labcorp Genetics (formerly Invitae), Labcorp
Classification: Uncertain significance. Last evaluated: 2025-06-05. Review status: criteria provided, single submitter. Criteria: Invitae Variant Classification Sherloc (09022015). Collection method: clinical testing. Allele origin: germline.
Comment: This sequence change replaces glutamic acid, which is acidic and polar, with glycine, which is neutral and non-polar, at codon 2423 of the ACAN protein (p.Glu2423Gly). This variant is not present in population databases (gnomAD no frequency). This variant has not been reported in the literature in individuals affected with ACAN-related conditions. ClinVar contains an entry for this variant (Variation ID: 3662429). An algorithm developed to predict the effect of missense changes on protein structure and function (PolyPhen-2) suggests that this variant is likely to be disruptive. In summary, the available evidence is currently insufficient to determine the role of this variant in disease. Therefore, it has been classified as a Variant of Uncertain Significance.

Ambry Genetics
Classification: Uncertain significance for Inborn genetic diseases. Last evaluated: 2025-05-07. Review status: criteria provided, single submitter. Criteria: Ambry Variant Classification Scheme 2023. Collection method: clinical testing. Allele origin: germline.